The following is an entry in ClinVar:

NM_000038.6(APC):c.7508G>A (p.Gly2503Glu)

Gene: APC (APC regulator of Wnt signaling pathway; plus strand). Cytogenetic location: 5q22.2.
Variant type: single nucleotide variant.
Coding change: c.7508G>A on transcript NM_000038.6 (MANE Select); coding-DNA position 7508, G replaced by A.
Protein change: p.Gly2503Glu; replaces glycine 2503 with glutamic acid.
Molecular consequence: missense variant.
Genome position (GRCh38, 1-based): chr5:112,843,102, G>A. VCF-style: chr5-112843102-G-A. GRCh37 (hg19) VCF-style: chr5-112178799-G-A.
Other names: c.7508G>A, p.Gly2503Glu (NM_001127510.3, NM_001354895.2); c.7454G>A, p.Gly2485Glu (NM_001127511.3); c.7562G>A, p.Gly2521Glu (NM_001354896.2); c.7538G>A, p.Gly2513Glu (NM_001354897.2); c.7433G>A, p.Gly2478Glu (NM_001354898.2); c.7424G>A, p.Gly2475Glu (NM_001354899.2); c.7385G>A, p.Gly2462Glu (NM_001354900.2); c.7331G>A, p.Gly2444Glu (NM_001354901.2); and 5 more; short protein forms G2485E, G2503E, G2343E, G2402E, G2475E, G2444E, G2478E, G2220E.
Identifiers: ClinVar variation 433675 (VCV000433675.4), dbSNP rs750111908, ClinGen allele CA048295.

ClinVar aggregate classification (germline): Likely benign. Review status: criteria provided, single submitter (1 of 4 stars). 2 submissions from 2 submitters: Likely benign (1). 1 of the submissions does not count toward it. Last evaluated 2022-09-01.

Conditions:
Hereditary cancer-predisposing syndrome. Also called: Hereditary neoplastic syndrome; Hereditary Cancer Syndrome; Tumor predisposition; Neoplastic Syndromes, Hereditary. Identifiers: Orphanet 140162, MedGen C0027672, MeSH D009386, MONDO:0015356.
Carcinoma of colon (CRC). Also called: Colon carcinoma; Colonic carcinoma. Identifiers: MedGen C0699790, MONDO:0002032.

Allele frequency attached by ClinVar (database versions not stated): gnomAD exomes 0.00001; ExAC 0.00001.
gnomAD v4.1: 5 of 1,614,048 alleles (0.00031%); highest among the groups gnomAD compares: South Asian, 0.0055%; no homozygotes.

Submissions (2):

Ambry Genetics
Classification: Likely benign for Hereditary cancer-predisposing syndrome. Last evaluated: 2022-09-01. Review status: criteria provided, single submitter. Criteria: Ambry Variant Classification Scheme 2023. Collection method: clinical testing. Allele origin: germline.

Department of Pathology and Laboratory Medicine, Sinai Health System
Classification: Uncertain significance for Carcinoma of colon. Review status: no assertion criteria provided. Collection method: clinical testing. Allele origin: unknown. Affected: yes. Study: The Canadian Open Genetics Repository (COGR). Not counted in ClinVar's aggregate classification.
Comment: The p.Gly2503Glu variant has not been previously observed in the literature, nor has it been reported in the LOVD, Exome Variant Server or UMD databases. The p.Gly2503 residue is conserved across mammals and computational analyses (PolyPhen, SIFT, AlignGVGD) suggest that the p.Gly2503Glu variant may impact the protein. However, this information is not predictive enough to assume pathogenicity. In summary, based on the above information the clinical significance of this variant cannot be determined at this time. Therefore this variant is a variant of unknown significance.